The following is an entry in ClinVar:

ClinVar aggregate classification (germline): Conflicting classifications of pathogenicity. Review status: criteria provided, conflicting classifications (1 of 4 stars). 4 submissions from 4 submitters: Uncertain significance (1); Likely benign (3). Last evaluated 2025-08-11.

Conditions:
Autosomal dominant hypocalcemia 2. Identifiers: Orphanet 2238, Orphanet 428, MedGen C3809243, MONDO:0014146, OMIM 615361.
Familial hypocalciuric hypercalcemia 2. Also called: FAMILIAL BENIGN HYPERCALCEMIA, TYPE II; Hypocalciuric hypercalcemia, familial, type II; Hypocalciuric hypercalcemia, type II. Identifiers: Orphanet 101049, Orphanet 405, MedGen C1840347, MONDO:0007792, OMIM 145981.
GNA11-related disorder. Also called: GNA11-related condition.

Allele frequency attached by ClinVar (database versions not stated): ExAC 0.00005; gnomAD 0.00005 and 0.00006; TOPMed 0.00007; gnomAD exomes 0.00008.
gnomAD v4.1: 66 of 1,605,584 alleles (0.0041%); highest among the groups gnomAD compares: Middle Eastern, 0.033%; no homozygotes.

Submissions (4):

Labcorp Genetics (formerly Invitae), Labcorp
Classification: Likely benign. Last evaluated: 2025-08-11. Review status: criteria provided, single submitter. Criteria: Invitae Variant Classification Sherloc (09022015). Collection method: clinical testing. Allele origin: germline.

PreventionGenetics, part of Exact Sciences
Classification: Likely benign for GNA11-related condition. Last evaluated: 2025-06-24. Review status: criteria provided, single submitter. Criteria: ACMG Guidelines, 2015. Collection method: clinical testing. Allele origin: germline.
Comment: This variant is classified as likely benign based on ACMG/AMP sequence variant interpretation guidelines (Richards et al. 2015 PMID: 25741868, with internal and published modifications).

Fulgent Genetics
Classification: Likely benign for Familial hypocalciuric hypercalcemia 2; Autosomal dominant hypocalcemia 2. Last evaluated: 2024-04-12. Review status: criteria provided, single submitter. Criteria: ACMG Guidelines, 2015. Collection method: clinical testing. Allele origin: germline.

Breakthrough Genomics
Classification: Uncertain significance. Review status: criteria provided, single submitter. Criteria: ACMG Guidelines, 2015. Collection method: not provided. Allele origin: germline. Inheritance: Autosomal dominant inheritance. Affected: yes.

NM_002067.5(GNA11):c.605+10G>A

Gene: GNA11 (G protein subunit alpha 11; plus strand). Cytogenetic location: 19p13.3.
Variant type: single nucleotide variant.
Coding change: c.605+10G>A on transcript NM_002067.5 (MANE Select); 10 bases into the intron after coding-DNA position 605, G replaced by A.
Molecular consequence: intron variant.
Genome position (GRCh38, 1-based): chr19:3,115,082, G>A. VCF-style: chr19-3115082-G-A. GRCh37 (hg19) VCF-style: chr19-3115080-G-A.
Other names: c.605+10G>A (NM_002067.4).
Identifiers: ClinVar variation 1346018 (VCV001346018.10), dbSNP rs535105766, ClinGen allele CA9074931.
Genomic context (GRCh38, chr19:3,115,082, plus strand): 5'-CACCACCGGCATCATCGAGTACCCTTTCGACCTGGAGAACATCATCTTCCGGTACCGCCC[G>A]GGCCACAGCAGGCGGGGAGGGGGCACTGAGAGGCTCATTTGCCCGGTGTGCCGGCTCATG-3'